The following is an entry in ClinVar:

ClinVar aggregate classification (germline): Uncertain significance (1 of 4 stars; one submission).

Conditions:
Rhabdoid tumor predisposition syndrome 2 (RTPS2). Identifiers: Orphanet 231108, Orphanet 69077, MedGen C2750074, MONDO:0013224, OMIM 613325.

Submission:

Labcorp Genetics (formerly Invitae), Labcorp
Classification: Uncertain significance for Rhabdoid tumor predisposition syndrome 2. Last evaluated: 2022-01-18. Review status: criteria provided, single submitter. Criteria: Invitae Variant Classification Sherloc (09022015). Collection method: clinical testing. Allele origin: germline.
Comment: In summary, the available evidence is currently insufficient to determine the role of this variant in disease. Therefore, it has been classified as a Variant of Uncertain Significance. Algorithms developed to predict the effect of missense changes on protein structure and function are either unavailable or do not agree on the potential impact of this missense change (SIFT: "Deleterious"; PolyPhen-2: "Benign"; Align-GVGD: "Class C55"). This variant has not been reported in the literature in individuals affected with SMARCA4-related conditions. This variant is not present in population databases (gnomAD no frequency). This sequence change replaces alanine, which is neutral and non-polar, with valine, which is neutral and non-polar, at codon 505 of the SMARCA4 protein (p.Ala505Val).

NM_003072.5(SMARCA4):c.1514C>T (p.Ala505Val)

Gene: SMARCA4 (SWI/SNF related BAF chromatin remodeling complex subunit ATPase 4; plus strand). Cytogenetic location: 19p13.2.
Variant type: single nucleotide variant.
Coding change: c.1514C>T on transcript NM_003072.5 (MANE Select); coding-DNA position 1514, C replaced by T.
Protein change: p.Ala505Val; replaces alanine 505 with valine.
Molecular consequence: missense variant. On other transcripts: non-coding transcript variant (1).
Genome position (GRCh38, 1-based): chr19:10,994,922, C>T. VCF-style: chr19-10994922-C-T. GRCh37 (hg19) VCF-style: chr19-11105598-C-T.
Other names: c.1514C>T, p.Ala505Val (NM_001128844.3, NM_001128845.2, NM_001128846.2 and 6 more transcripts); short protein forms A505V.
Identifiers: ClinVar variation 2165236 (VCV002165236.4), dbSNP rs1600068130, ClinGen allele CA404062156.
Genomic context (GRCh38, chr19:10,994,922, plus strand): 5'-ATTTCAAGGAATATCACAGATCCGTCACAGGCAAAATCCAGAAGCTGACCAAGGCAGTGG[C>T]CACGTACCATGCCAACACGGAGCGGGAGCAGAAGAAAGAGAACGAGCGGATCGAGAAGGA-3'
Protein context (NP_003063.2, residues 495-515): GKIQKLTKAV[Ala505Val]TYHANTEREQ